The following is an entry in ClinVar:

ClinVar aggregate classification (germline): Uncertain significance (1 of 4 stars; one submission).

gnomAD v4.1: 2 of 1,211,518 alleles (0.00017%); highest among the groups gnomAD compares: Non-Finnish European, 0.00022%; no homozygotes.

Submission:

GeneDx
Classification: Uncertain significance. Last evaluated: 2026-01-31. Review status: criteria provided, single submitter. Criteria: GeneDx Variant Classification Process June 2021. Collection method: clinical testing. Allele origin: germline.
Comment: Not observed at significant frequency in large population cohorts (gnomAD); In silico analysis supports that this missense variant has a deleterious effect on protein structure/function; Has not been previously published as pathogenic or benign to our knowledge

NM_004606.5(TAF1):c.4307G>A (p.Arg1436His)

Gene: TAF1 (TATA-box binding protein associated factor 1; plus strand). Cytogenetic location: Xq13.1.
Variant type: single nucleotide variant.
Coding change: c.4307G>A on transcript NM_004606.5 (MANE Select); coding-DNA position 4307, G replaced by A.
Protein change: p.Arg1436His; replaces arginine 1436 with histidine.
Molecular consequence: missense variant. On other transcripts: non-coding transcript variant (9).
Genome position (GRCh38, 1-based): chrX:71,408,074, G>A. VCF-style: chrX-71408074-G-A. GRCh37 (hg19) VCF-style: chrX-70627924-G-A.
Other names: c.4307G>A, p.Arg1436His (NM_001286074.2, NM_001440852.1, NM_001440853.1); c.4244G>A, p.Arg1415His (NM_001440854.1, NM_138923.4); short protein forms R1415H, R1436H.
Identifiers: ClinVar variation 4975995 (VCV004975995.1).